The following is an entry in ClinVar:

ClinVar aggregate classification (germline): Uncertain significance (0 of 4 stars; one submission).

Conditions:
Prostate cancer. Also called: Malignant tumor of prostate. Identifiers: Orphanet 1331, MedGen C0376358, MONDO:0008315, HP:0012125.

Submission:

Science for Life laboratory,  Karolinska Institutet
Classification: Uncertain significance for Malignant tumor of prostate. Review status: no assertion criteria provided. Collection method: not provided. Allele origin: somatic.
Comment: TumorID:SWE-1
ClinVar note: Converted during submission from Unknown to Uncertain significance.

NM_001982.4(ERBB3):c.2802G>C (p.Gln934His)

Gene: ERBB3 (erb-b2 receptor tyrosine kinase 3; plus strand). Cytogenetic location: 12q13.2.
Variant type: single nucleotide variant.
Coding change: c.2802G>C on transcript NM_001982.4 (MANE Select); coding-DNA position 2802, G replaced by C.
Protein change: p.Gln934His; replaces glutamine 934 with histidine.
Molecular consequence: missense variant.
Genome position (GRCh38, 1-based): chr12:56,098,868, G>C. VCF-style: chr12-56098868-G-C. GRCh37 (hg19) VCF-style: chr12-56492652-G-C.
Other names: short protein forms Q934H.
Identifiers: ClinVar variation 161588 (VCV000161588.2), dbSNP rs193920754, ClinGen allele CA174403.